The following is an entry in ClinVar:

ClinVar aggregate classification (germline): Uncertain significance (1 of 4 stars; one submission).

Conditions:
Dilated cardiomyopathy 1DD (CMD1DD). Identifiers: Orphanet 154, MedGen C2750995, MONDO:0013168, OMIM 613172.

Submission:

ARUP Laboratories, Molecular Genetics and Genomics, ARUP Laboratories
Classification: Uncertain significance for Dilated cardiomyopathy 1DD. Last evaluated: 2025-06-05. Review status: criteria provided, single submitter. Criteria: ARUP Molecular Germline Variant Investigation Process 2024. Collection method: clinical testing. Allele origin: germline.
Comment: The RBM20 c.685T>A; p.Tyr229Asn variant (rs1844341494), to our knowledge, is not reported in the medical literature or gene specific databases. This variant is also absent from the Genome Aggregation Database (v2.1.1), indicating it is not a common polymorphism. Computational analyses are uncertain whether this variant is neutral or deleterious (REVEL: 0.38). Due to limited information, the clinical significance of this variant is uncertain at this time.

NM_001134363.3(RBM20):c.685T>A (p.Tyr229Asn)

Gene: RBM20 (RNA binding motif protein 20; plus strand). Cytogenetic location: 10q25.2.
Variant type: single nucleotide variant.
Coding change: c.685T>A on transcript NM_001134363.3 (MANE Select); coding-DNA position 685, T replaced by A.
Protein change: p.Tyr229Asn; replaces tyrosine 229 with asparagine.
Molecular consequence: missense variant.
Genome position (GRCh38, 1-based): chr10:110,781,294, T>A. VCF-style: chr10-110781294-T-A. GRCh37 (hg19) VCF-style: chr10-112541052-T-A.
Other names: short protein forms Y229N.
Identifiers: ClinVar variation 4685864 (VCV004685864.1).
Genomic context (GRCh38, chr10:110,781,294, plus strand): 5'-CAGCCAGCAGTCATCTTGGGCATTGGCAAGACTGGGCCTGCTCCAGCTACAGCAGGATTC[T>A]ATGAGTATGGCAAAGCCAGCTCTGGCCAGACATATGGCCCTGAAACAGATGGTCAGCCTG-3'
Protein context (NP_001127835.2, residues 219-239): TGPAPATAGF[Tyr229Asn]EYGKASSGQT